The following is an entry in ClinVar:

NM_000789.4(ACE):c.2312C>T (p.Thr771Met)

Gene: ACE (angiotensin I converting enzyme; plus strand). Cytogenetic location: 17q23.3.
Variant type: single nucleotide variant.
Coding change: c.2312C>T on transcript NM_000789.4 (MANE Select); coding-DNA position 2312, C replaced by T.
Protein change: p.Thr771Met; replaces threonine 771 with methionine.
Molecular consequence: missense variant. On other transcripts: non-coding transcript variant (1).
Genome position (GRCh38, 1-based): chr17:63,488,654, C>T. VCF-style: chr17-63488654-C-T. GRCh37 (hg19) VCF-style: chr17-61566015-C-T.
Other names: c.590C>T, p.Thr197Met (NM_001178057.2, NM_152830.3); c.1745C>T, p.Thr582Met (NM_001382700.1); c.1460C>T, p.Thr487Met (NM_001382701.1); c.242C>T, p.Thr81Met (NM_001382702.1); short protein forms T81M, T487M, T771M, T197M, T582M.
Identifiers: ClinVar variation 1928613 (VCV001928613.4), dbSNP rs780755664, ClinGen allele CA8700057.

ClinVar aggregate classification (germline): Uncertain significance (1 of 4 stars; one submission).

Allele frequency attached by ClinVar (database versions not stated): gnomAD exomes below 0.00001; ExAC 0.00001; TOPMed 0.00004.

Submission:

Labcorp Genetics (formerly Invitae), Labcorp
Classification: Uncertain significance. Last evaluated: 2022-06-25. Review status: criteria provided, single submitter. Criteria: Invitae Variant Classification Sherloc (09022015). Collection method: clinical testing. Allele origin: germline.
Comment: This variant has not been reported in the literature in individuals affected with ACE-related conditions. This sequence change replaces threonine, which is neutral and polar, with methionine, which is neutral and non-polar, at codon 771 of the ACE protein (p.Thr771Met). This variant is present in population databases (rs780755664, gnomAD 0.007%). Algorithms developed to predict the effect of missense changes on protein structure and function are either unavailable or do not agree on the potential impact of this missense change (SIFT: "Deleterious"; PolyPhen-2: "Probably Damaging"; Align-GVGD: "Class C15"). In summary, the available evidence is currently insufficient to determine the role of this variant in disease. Therefore, it has been classified as a Variant of Uncertain Significance.